The following is an entry in ClinVar:

ClinVar aggregate classification (germline): Uncertain significance (1 of 4 stars; one submission).

gnomAD v4.1: 8 of 1,613,828 alleles (0.0005%); highest among the groups gnomAD compares: African/African-American, 0.0013%; no homozygotes.

Submission:

GeneDx
Classification: Uncertain significance. Last evaluated: 2025-07-24. Review status: criteria provided, single submitter. Criteria: GeneDx Variant Classification Process June 2021. Collection method: clinical testing. Allele origin: germline. Affected: yes.
Comment: Not observed at significant frequency in large population cohorts (gnomAD); In silico analysis suggests that this missense variant does not alter protein structure/function; Has not been previously published as pathogenic or benign to our knowledge

NM_006662.3(SRCAP):c.4627C>T (p.Pro1543Ser)

Gene: SRCAP (Snf2 related CREBBP activator protein; plus strand). Cytogenetic location: 16p11.2.
Variant type: single nucleotide variant.
Coding change: c.4627C>T on transcript NM_006662.3 (MANE Select); coding-DNA position 4627, C replaced by T.
Protein change: p.Pro1543Ser; replaces proline 1543 with serine.
Molecular consequence: missense variant.
Genome position (GRCh38, 1-based): chr16:30,724,051, C>T. VCF-style: chr16-30724051-C-T. GRCh37 (hg19) VCF-style: chr16-30735372-C-T.
Other names: short protein forms P1543S.
Identifiers: ClinVar variation 4686912 (VCV004686912.1).